The following is an entry in ClinVar:

ClinVar aggregate classification (germline): Uncertain significance (1 of 4 stars; one submission).

gnomAD v4.1: 2 of 1,614,054 alleles (0.00012%); highest among the groups gnomAD compares: South Asian, 0.0011%; no homozygotes.

Submission:

Labcorp Genetics (formerly Invitae), Labcorp
Classification: Uncertain significance. Last evaluated: 2022-04-23. Review status: criteria provided, single submitter. Criteria: Invitae Variant Classification Sherloc (09022015). Collection method: clinical testing. Allele origin: germline.
Comment: This variant has not been reported in the literature in individuals affected with TTC37-related conditions. This sequence change replaces asparagine, which is neutral and polar, with isoleucine, which is neutral and non-polar, at codon 398 of the TTC37 protein (p.Asn398Ile). This variant is present in population databases (rs573461690, gnomAD 0.0009%). Algorithms developed to predict the effect of missense changes on protein structure and function are either unavailable or do not agree on the potential impact of this missense change (SIFT: "Tolerated"; PolyPhen-2: "Possibly Damaging"; Align-GVGD: "Class C0"). In summary, the available evidence is currently insufficient to determine the role of this variant in disease. Therefore, it has been classified as a Variant of Uncertain Significance.

NM_014639.4(SKIC3):c.1193A>T (p.Asn398Ile)

Gene: SKIC3 (SKI3 subunit of superkiller complex; minus strand). Cytogenetic location: 5q15.
Variant type: single nucleotide variant.
Coding change: c.1193A>T on transcript NM_014639.4 (MANE Select); coding-DNA position 1193, A replaced by T.
Protein change: p.Asn398Ile; replaces asparagine 398 with isoleucine.
Molecular consequence: missense variant.
Genome position (GRCh38, 1-based): chr5:95,525,615, T>A on the plus strand (A>T on the coding strand, the complement: SKIC3 is on the minus strand). VCF-style: chr5-95525615-T-A. GRCh37 (hg19) VCF-style: chr5-94861319-T-A.
Other names: short protein forms N398I.
Identifiers: ClinVar variation 1925205 (VCV001925205.5), dbSNP rs573461690, ClinGen allele CA3347398.